The following is an entry in ClinVar:

NM_001330260.2(SCN8A):c.1779G>C (p.Glu593Asp)

Gene: SCN8A (sodium voltage-gated channel alpha subunit 8; plus strand). Cytogenetic location: 12q13.13.
Variant type: single nucleotide variant.
Coding change: c.1779G>C on transcript NM_001330260.2 (MANE Select); coding-DNA position 1779, G replaced by C.
Protein change: p.Glu593Asp; replaces glutamic acid 593 with aspartic acid.
Molecular consequence: missense variant.
Genome position (GRCh38, 1-based): chr12:51,721,689, G>C. VCF-style: chr12-51721689-G-C. GRCh37 (hg19) VCF-style: chr12-52115473-G-C.
Other names: c.1779G>C (NM_014191.2, NM_001177984.2); c.1779G>C, p.Glu593Asp (NM_001177984.3, NM_001369788.1, NM_014191.4); short protein forms E593D.
Identifiers: ClinVar variation 379563 (VCV000379563.54), dbSNP rs760717246, ClinGen allele CA6571329.
Genomic context (GRCh38, chr12:51,721,689, plus strand): 5'-GTTCCGAGACCCGGGCTCCGAGAATGAGTTCGCGGATGACGAGCACAGCACGGTGGAGGA[G>C]AGCGAGGGCCGCCGGGACTCCCTCTTCATCCCCATCCGGGCCCGCGAGCGCCGGAGCAGC-3'
Protein context (NP_001317189.1, residues 583-603): FADDEHSTVE[Glu593Asp]SEGRRDSLFI

ClinVar aggregate classification (germline): Conflicting classifications of pathogenicity. Review status: criteria provided, conflicting classifications (1 of 4 stars). 7 submissions from 7 submitters: Uncertain significance (4); Likely benign (3). Last evaluated 2026-05-01.

Conditions:
Inborn genetic diseases. Identifiers: MedGen C0950123, MeSH D030342.
Developmental and epileptic encephalopathy, 13 (DEE13). Also called: SCN8A-Related Epilepsy; Developmental and Epileptic Encephalopathy (SCN8A-DEE); Early infantile epileptic encephalopathy 13. Identifiers: Orphanet 442835, MedGen C3281191, MONDO:0013801, OMIM 614558.
Early-infantile DEE. Also called: Early infantile epileptic encephalopathy; Ohtahara syndrome; Early infantile epileptic encephalopathy with suppression bursts. Identifiers: Orphanet 1934, MedGen C0393706, MONDO:0800491.
Cognitive impairment with or without cerebellar ataxia (CIAT). Identifiers: MedGen C3280415, MONDO:0013680, OMIM 614306.

Allele frequency attached by ClinVar (database versions not stated): gnomAD 0.00005; TOPMed 0.00011.
gnomAD v4.1: 64 of 1,593,994 alleles (0.004%); highest among the groups gnomAD compares: Middle Eastern, 0.033%; no homozygotes.

Submissions (7):

CeGaT Center for Human Genetics Tuebingen
Classification: Likely benign. Last evaluated: 2026-05-01. Review status: criteria provided, single submitter. Criteria: CeGaT Center For Human Genetics Tuebingen Variant Classification Criteria Version 2. Collection method: clinical testing. Allele origin: germline. Affected: yes. Observed: 5 variant alleles.
Comment: SCN8A: BS2

Labcorp Genetics (formerly Invitae), Labcorp
Classification: Uncertain significance for Early-infantile DEE. Last evaluated: 2025-12-01. Review status: criteria provided, single submitter. Criteria: Invitae Variant Classification Sherloc (09022015). Collection method: clinical testing. Allele origin: germline.
Comment: This sequence change replaces glutamic acid, which is acidic and polar, with aspartic acid, which is acidic and polar, at codon 593 of the SCN8A protein (p.Glu593Asp). This variant is present in population databases (rs760717246, gnomAD 0.005%). This missense change has been observed in individual(s) with clinical features of developmental and epileptic encephalopathy (internal data). ClinVar contains an entry for this variant (Variation ID: 379563). Invitae Evidence Modeling of protein sequence and biophysical properties (such as structural, functional, and spatial information, amino acid conservation, physicochemical variation, residue mobility, and thermodynamic stability) indicates that this missense variant is not expected to disrupt SCN8A protein function with a negative predictive value of 95%. In summary, the available evidence is currently insufficient to determine the role of this variant in disease. Therefore, it has been classified as a Variant of Uncertain Significance.

Ambry Genetics
Classification: Uncertain significance for Inborn genetic diseases. Last evaluated: 2025-11-04. Review status: criteria provided, single submitter. Criteria: Ambry Variant Classification Scheme 2023. Collection method: clinical testing. Allele origin: germline.
Comment: The c.1779G>C (p.E593D) alteration is located in exon 12 (coding exon 11) of the SCN8A gene. This alteration results from a G to C substitution at nucleotide position 1779, causing the glutamic acid (E) at amino acid position 593 to be replaced by an aspartic acid (D). Based on data from gnomAD, the C allele has an overall frequency of 0.003% (7/208380) total alleles studied. The highest observed frequency was 0.008% (7/91150) of European (non-Finnish) alleles. Based on insufficient or conflicting evidence, the clinical significance of this alteration remains unclear.

Revvity Omics, Revvity
Classification: Uncertain significance. Last evaluated: 2025-06-18. Review status: criteria provided, single submitter. Criteria: ACMG Guidelines, 2015. Collection method: clinical testing. Allele origin: germline.

Genomic Medicine Center of Excellence, King Faisal Specialist Hospital and Research Centre
Classification: Likely benign for Developmental and epileptic encephalopathy, 13. Last evaluated: 2024-12-18. Review status: criteria provided, single submitter. Criteria: ACMG Guidelines, 2015. Collection method: clinical testing. Allele origin: germline.

GeneDx
Classification: Likely benign. Last evaluated: 2021-04-21. Review status: criteria provided, single submitter. Criteria: GeneDx Variant Classification Process June 2021. Collection method: clinical testing. Allele origin: germline. Affected: yes.

Institute of Human Genetics, University of Leipzig Medical Center
Classification: Uncertain significance for Cognitive impairment with or without cerebellar ataxia. Last evaluated: 2019-01-01. Review status: criteria provided, single submitter. Criteria: ACMG Guidelines, 2015. Collection method: clinical testing. Allele origin: unknown. Affected: yes.